The following is an entry in ClinVar:

ClinVar aggregate classification (germline): Likely benign. Review status: criteria provided, multiple submitters, no conflicts (2 of 4 stars). 2 submissions from 2 submitters: Likely benign (2). Last evaluated 2025-08-13.

Conditions:
Tuberous sclerosis 2 (TSC2). Identifiers: Orphanet 805, MedGen C1860707, MONDO:0013199, OMIM 613254.

Allele frequency attached by ClinVar (database versions not stated): gnomAD exomes below 0.00001; ExAC 0.00001.
gnomAD v4.1: 2 of 1,608,682 alleles (0.00012%); highest among the groups gnomAD compares: South Asian, 0.0011%; no homozygotes.

Submissions (2):

Labcorp Genetics (formerly Invitae), Labcorp
Classification: Likely benign for Tuberous sclerosis 2. Last evaluated: 2025-08-13. Review status: criteria provided, single submitter. Criteria: Invitae Variant Classification Sherloc (09022015). Collection method: clinical testing. Allele origin: germline.

Myriad Genetics, Inc.
Classification: Likely benign for Tuberous sclerosis 2. Last evaluated: 2025-05-28. Review status: criteria provided, single submitter. Criteria: Myriad Autosomal Dominant, Autosomal Recessive and X-Linked Classification Criteria (2023). Collection method: clinical testing. Allele origin: unknown.
Comment: This variant is considered likely benign. This variant is intronic and is not expected to impact mRNA splicing.

NM_000548.5(TSC2):c.3285-8C>T

Gene: TSC2 (TSC complex subunit 2; plus strand). Cytogenetic location: 16p13.3.
Variant type: single nucleotide variant.
Coding change: c.3285-8C>T on transcript NM_000548.5 (MANE Select); 8 bases into the intron before coding-DNA position 3285, C replaced by T.
Molecular consequence: intron variant.
Genome position (GRCh38, 1-based): chr16:2,079,549, C>T. VCF-style: chr16-2079549-C-T. GRCh37 (hg19) VCF-style: chr16-2129550-C-T.
Other names: c.3285-8C>T (NM_001114382.3); c.3156-8C>T (NM_021055.3, NM_001370405.1, NM_001363528.2); c.3153-8C>T (NM_001370404.1, NM_001077183.3); c.3045-8C>T (NM_001318827.2); c.2553-8C>T (NM_001318831.2); c.3009-8C>T (NM_001318829.2); c.3186-8C>T (NM_001318832.2).
Identifiers: ClinVar variation 752386 (VCV000752386.9), dbSNP rs751418785, ClinGen allele CA045500.
Genomic context (GRCh38, chr16:2,079,549, plus strand): 5'-GGCCCACGTGGCACCCTCGTACCAGCCTGGGGACTAAGTCCACCCTGTGCGTGGGATTCT[C>T]TTCTCAGCTCCAGCCCCGGGGTGCATGTGAGACAGACCAAGGAGGCGCCGGCCAAGCTGG-3'